The following is an entry in ClinVar:

ClinVar aggregate classification (germline): Uncertain significance. Review status: criteria provided, multiple submitters, no conflicts (2 of 4 stars). 3 submissions from 3 submitters: Uncertain significance (3). Last evaluated 2025-02-27.

Conditions:
Inborn genetic diseases. Identifiers: MedGen C0950123, MeSH D030342.

Allele frequency attached by ClinVar (database versions not stated): gnomAD exomes below 0.00001.
gnomAD v4.1: 3 of 1,613,196 alleles (0.00019%); highest among the groups gnomAD compares: Non-Finnish European, 0.00025%; no homozygotes.

Submissions (3):

Ambry Genetics
Classification: Uncertain significance for Inborn genetic diseases. Last evaluated: 2025-02-27. Review status: criteria provided, single submitter. Criteria: Ambry Variant Classification Scheme 2023. Collection method: clinical testing. Allele origin: germline.

Greenwood Genetic Center Diagnostic Laboratories, Greenwood Genetic Center
Classification: Uncertain significance. Last evaluated: 2023-07-07. Review status: criteria provided, single submitter. Criteria: ACMG Guidelines, 2015. Collection method: clinical testing. Allele origin: germline. Affected: yes.
Comment: PM2

GeneDx
Classification: Uncertain significance. Last evaluated: 2020-03-19. Review status: criteria provided, single submitter. Criteria: GeneDx Variant Classification Process June 2021. Collection method: clinical testing. Allele origin: germline. Affected: yes.
Comment: Not observed in large population cohorts (Lek et al., 2016); In silico analysis supports that this missense variant has a deleterious effect on protein structure/function; Has not been previously published as pathogenic or benign to our knowledge

NM_020338.4(ZMIZ1):c.2615A>G (p.Tyr872Cys)

Gene: ZMIZ1 (zinc finger MIZ-type containing 1; plus strand). Cytogenetic location: 10q22.3.
Variant type: single nucleotide variant.
Coding change: c.2615A>G on transcript NM_020338.4 (MANE Select); coding-DNA position 2615, A replaced by G.
Protein change: p.Tyr872Cys; replaces tyrosine 872 with cysteine.
Molecular consequence: missense variant.
Genome position (GRCh38, 1-based): chr10:79,306,291, A>G. VCF-style: chr10-79306291-A-G. GRCh37 (hg19) VCF-style: chr10-81066048-A-G.
Other names: short protein forms Y872C.
Identifiers: ClinVar variation 1315364 (VCV001315364.4), dbSNP rs1043492653, ClinGen allele CA377342806.